The following is an entry in ClinVar:

NM_017671.5(FERMT1):c.1861-8T>C

Gene: FERMT1 (FERM domain containing kindlin 1; minus strand). Cytogenetic location: 20p12.3.
Variant type: single nucleotide variant.
Coding change: c.1861-8T>C on transcript NM_017671.5 (MANE Select); 8 bases into the intron before coding-DNA position 1861, T replaced by C.
Molecular consequence: intron variant.
Genome position (GRCh38, 1-based): chr20:6,077,354, A>G on the plus strand (T>C on the coding strand, the complement: FERMT1 is on the minus strand). VCF-style: chr20-6077354-A-G. GRCh37 (hg19) VCF-style: chr20-6058001-A-G.
Identifiers: ClinVar variation 339207 (VCV000339207.14), dbSNP rs2232082, ClinGen allele CA9758004.

ClinVar aggregate classification (germline): Benign. Review status: criteria provided, multiple submitters, no conflicts (2 of 4 stars). 3 submissions from 3 submitters: Benign (2). 1 of the submissions does not count toward it. Last evaluated 2026-01-18.

Conditions:
Kindler syndrome (KNDLRS). Also called: BULLOUS ACROKERATOTIC POIKILODERMA OF KINDLER AND WEARY; POIKILODERMA, CONGENITAL, WITH BULLAE, WEARY TYPE; POIKILODERMA, HEREDITARY ACROKERATOTIC; Hereditary acrokeratotic poikiloderma of Weary; Poikiloderma of Kindler; Congenital bullous poikiloderma. Identifiers: Orphanet 2908, Orphanet 306539, MedGen C0406557, MONDO:0008260, OMIM 173650.
FERMT1-related disorder. Also called: FERMT1-related condition.

Allele frequency attached by ClinVar (database versions not stated): gnomAD exomes 0.00046 and 0.00119; ExAC 0.00149; 1000 Genomes Project 0.00479; gnomAD 0.00483 and 0.00523; TOPMed 0.00539; 1000 Genomes Project 30x 0.00547; ESP Exome Variant Server 0.00654.
gnomAD v4.1: 1,422 of 1,614,096 alleles (0.088%); highest among the groups gnomAD compares: African/African-American, 1.7%; 24 homozygotes.

Submissions (3):

Labcorp Genetics (formerly Invitae), Labcorp
Classification: Benign. Last evaluated: 2026-01-18. Review status: criteria provided, single submitter. Criteria: Invitae Variant Classification Sherloc (09022015). Collection method: clinical testing. Allele origin: germline.

Illumina Laboratory Services, Illumina
Classification: Benign for Kindler syndrome. Last evaluated: 2018-01-13. Review status: criteria provided, single submitter. Criteria: ICSL Variant Classification Criteria 13 December 2019. Collection method: clinical testing. Allele origin: germline.
Comment: This variant was observed in the ICSL laboratory as part of a predisposition screen in an ostensibly healthy population. It had not been previously curated by ICSL or reported in the Human Gene Mutation Database (HGMD: prior to June 1st, 2018), and was therefore a candidate for classification through an automated scoring system. Utilizing variant allele frequency, disease prevalence and penetrance estimates, and inheritance mode, an automated score was calculated to assess if this variant is too frequent to cause the disease. Based on the score and internal cut-off values, a variant classified as benign is not then subjected to further curation. The score for this variant resulted in a classification of benign for this disease.

PreventionGenetics, part of Exact Sciences
Classification: Benign for FERMT1-related condition. Last evaluated: 2024-04-12. Review status: no assertion criteria provided. Collection method: clinical testing. Allele origin: germline. Not counted in ClinVar's aggregate classification.
Comment: This variant is classified as benign based on ACMG/AMP sequence variant interpretation guidelines (Richards et al. 2015 PMID: 25741868, with internal and published modifications).